The following is an entry in ClinVar:

ClinVar aggregate classification (germline): Uncertain significance (1 of 4 stars; one submission).

Submission:

Labcorp Genetics (formerly Invitae), Labcorp
Classification: Uncertain significance. Last evaluated: 2024-10-15. Review status: criteria provided, single submitter. Criteria: Invitae Variant Classification Sherloc (09022015). Collection method: clinical testing. Allele origin: germline.
Comment: This sequence change replaces leucine, which is neutral and non-polar, with glutamine, which is neutral and polar, at codon 476 of the ARMC9 protein (p.Leu476Gln). This variant is not present in population databases (gnomAD no frequency). This variant has not been reported in the literature in individuals affected with ARMC9-related conditions. ClinVar contains an entry for this variant (Variation ID: 2125057). Experimental studies and prediction algorithms are not available or were not evaluated, and the functional significance of this variant is currently unknown. In summary, the available evidence is currently insufficient to determine the role of this variant in disease. Therefore, it has been classified as a Variant of Uncertain Significance.

NM_001352754.2(ARMC9):c.1427T>A (p.Leu476Gln)

Gene: ARMC9 (armadillo repeat containing 9; plus strand). Cytogenetic location: 2q37.1.
Variant type: single nucleotide variant.
Coding change: c.1427T>A on transcript NM_001352754.2 (MANE Select); coding-DNA position 1427, T replaced by A.
Protein change: p.Leu476Gln; replaces leucine 476 with glutamine.
Molecular consequence: missense variant. On other transcripts: non-coding transcript variant (1).
Genome position (GRCh38, 1-based): chr2:231,276,728, T>A. VCF-style: chr2-231276728-T-A. GRCh37 (hg19) VCF-style: chr2-232141441-T-A.
Other names: c.1427T>A, p.Leu476Gln (NM_001271466.4, NM_001291656.2, NM_001352755.2 and 3 more transcripts); c.1328T>A, p.Leu443Gln (NM_001352757.2, NM_001352758.2); short protein forms L443Q, L476Q.
Identifiers: ClinVar variation 2125057 (VCV002125057.4), dbSNP rs2469792584, ClinGen allele CA350955783.